The following is an entry in ClinVar:

NM_004104.5(FASN):c.3004G>A (p.Gly1002Ser)

Gene: FASN (fatty acid synthase; minus strand). Cytogenetic location: 17q25.3.
Variant type: single nucleotide variant.
Coding change: c.3004G>A on transcript NM_004104.5 (MANE Select); coding-DNA position 3004, G replaced by A.
Protein change: p.Gly1002Ser; replaces glycine 1002 with serine.
Molecular consequence: missense variant.
Genome position (GRCh38, 1-based): chr17:82,087,724, C>T on the plus strand (G>A on the coding strand, the complement: FASN is on the minus strand). VCF-style: chr17-82087724-C-T. GRCh37 (hg19) VCF-style: chr17-80045600-C-T.
Other names: c.3004G>A (NM_004104.4); short protein forms G1002S.
Identifiers: ClinVar variation 2200799 (VCV002200799.4), dbSNP rs746706682, ClinGen allele CA8852556.

ClinVar aggregate classification (germline): Uncertain significance. Review status: criteria provided, multiple submitters, no conflicts (2 of 4 stars). 2 submissions from 2 submitters: Uncertain significance (2). Last evaluated 2025-01-20.

Conditions:
Epileptic encephalopathy. Identifiers: MedGen C0543888, HP:0200134.

Allele frequency attached by ClinVar (database versions not stated): ExAC 0.00001; TOPMed 0.00001; gnomAD 0.00005.
gnomAD v4.1: 20 of 1,612,152 alleles (0.0012%); highest among the groups gnomAD compares: Admixed American, 0.005%; no homozygotes.

Submissions (2):

Ambry Genetics
Classification: Uncertain significance. Last evaluated: 2025-01-20. Review status: criteria provided, single submitter. Criteria: Ambry Variant Classification Scheme 2023. Collection method: clinical testing. Allele origin: germline.

Labcorp Genetics (formerly Invitae), Labcorp
Classification: Uncertain significance for Epileptic encephalopathy. Last evaluated: 2022-03-09. Review status: criteria provided, single submitter. Criteria: Invitae Variant Classification Sherloc (09022015). Collection method: clinical testing. Allele origin: germline.
Comment: In summary, the available evidence is currently insufficient to determine the role of this variant in disease. Therefore, it has been classified as a Variant of Uncertain Significance. Algorithms developed to predict the effect of missense changes on protein structure and function are either unavailable or do not agree on the potential impact of this missense change (SIFT: "Deleterious"; PolyPhen-2: "Benign"; Align-GVGD: "Class C0"). This variant has not been reported in the literature in individuals affected with FASN-related conditions. This variant is present in population databases (rs746706682, gnomAD 0.008%). This sequence change replaces glycine, which is neutral and non-polar, with serine, which is neutral and polar, at codon 1002 of the FASN protein (p.Gly1002Ser).